The following is an entry in ClinVar:

ClinVar aggregate classification (germline): Pathogenic. Review status: criteria provided, multiple submitters, no conflicts (2 of 4 stars). 4 submissions from 4 submitters: Pathogenic (3). 1 of the submissions does not count toward it. Last evaluated 2024-12-24.

Conditions:
Erythrocytosis, familial, 4 (ECYT4). Identifiers: Orphanet 247511, MedGen C2673187, MONDO:0012729, OMIM 611783.

Allele frequency attached by ClinVar (database versions not stated): gnomAD exomes below 0.00001.

Submissions (4):

Labcorp Genetics (formerly Invitae), Labcorp
Classification: Pathogenic. Last evaluated: 2024-12-24. Review status: criteria provided, single submitter. Criteria: Invitae Variant Classification Sherloc (09022015). Collection method: clinical testing. Allele origin: germline.
Comment: This sequence change replaces glycine, which is neutral and non-polar, with arginine, which is basic and polar, at codon 537 of the EPAS1 protein (p.Gly537Arg). This variant is not present in population databases (gnomAD no frequency). This missense change has been observed in individual(s) with clinical features of erythrocytosis (PMID: 18378852, 18650473, 21389259, 23716564, 27651169). It has also been observed to segregate with disease in related individuals. This variant is also known as HIF2a c.2097G>A. ClinVar contains an entry for this variant (Variation ID: 6469). An algorithm developed to predict the effect of missense changes on protein structure and function (PolyPhen-2) suggests that this variant is likely to be disruptive. Experimental studies have shown that this missense change affects EPAS1 function (PMID: 18650473, 19208626, 23716564). For these reasons, this variant has been classified as Pathogenic.

Victorian Clinical Genetics Services, Murdoch Childrens Research Institute
Classification: Pathogenic for Erythrocytosis, familial, 4. Last evaluated: 2022-03-31. Review status: criteria provided, single submitter. Criteria: ACMG Guidelines, 2015. Collection method: clinical testing. Allele origin: germline. Inheritance: Autosomal dominant inheritance. Affected: yes.
Comment: Based on the classification scheme VCGS_Germline_v1.3.4, this variant is classified as Pathogenic. Following criteria are met: 0101 - Gain of function is a known mechanism of disease in this gene and is associated with familial erythrocytosis 4 (MIM#611783) (PMID: 19208626). (I) 0107 - This gene is associated with autosomal dominant disease. (I) 0200 - Variant is predicted to result in a missense amino acid change from glycine to arginine. (I) 0251 - This variant is heterozygous. (I) 0301 - Variant is absent from gnomAD (both v2 and v3). (SP) 0501 - Missense variant consistently predicted to be damaging by multiple in silico tools or highly conserved with a major amino acid change. (SP) 0602 - Variant is located in a hotspot region or cluster of pathogenic variants (DECIPHER, PMIDs: 27292716, 19208626, 29790589). (SP) 0704 - Another missense variant comparable to the one identified in this case has limited previous evidence for pathogenicity. p.(Gly537Trp) has been observed in one family with erythrocytosis, and was seen to segregate in three affected family members (PMID: 18184961). (SP) 0801 - This variant has strong previous evidence of pathogenicity in unrelated individuals. This variant has been observed in more than ten individuals with erythrocytosis (ClinVar, PMID: 29790589). (SP) 1002 - This variant has moderate functional evidence supporting abnormal protein function. Studies in TRex 293 cells have shown this variant displays a gain of function effect, increasing stabilization of the EPAS1 protein, and impairing binding to PHD2 and VHL (PMID: 19208626). (SP) 1208 - Inheritance information for this variant is not currently available in this individual. (I) Legend: (SP) - Supporting pathogenic, (I) - Information, (SB) - Supporting benign

CeGaT Center for Human Genetics Tuebingen
Classification: Pathogenic. Last evaluated: 2021-03-01. Review status: criteria provided, single submitter. Criteria: CeGaT Center For Human Genetics Tuebingen Variant Classification Criteria Version 2. Collection method: clinical testing. Allele origin: germline. Affected: yes. Observed: 1 variant allele.

OMIM
Classification: Pathogenic for ERYTHROCYTOSIS, FAMILIAL, 4. Last evaluated: 2009-04-03. Review status: no assertion criteria provided. Collection method: literature only. Allele origin: germline. Not counted in ClinVar's aggregate classification.

Literature cited by the submitters: PubMed 18378852 (cited by Labcorp Genetics (formerly Invitae), Labcorp and OMIM); PubMed 18650473 (cited by Labcorp Genetics (formerly Invitae), Labcorp); PubMed 21389259 (cited by Labcorp Genetics (formerly Invitae), Labcorp); PubMed 23716564 (cited by Labcorp Genetics (formerly Invitae), Labcorp); PubMed 27651169 (cited by Labcorp Genetics (formerly Invitae), Labcorp); PubMed 19208626 (cited by 3 submitters); PubMed 18184961 (cited by Victorian Clinical Genetics Services, Murdoch Childrens Research Institute); PubMed 27292716 (cited by Victorian Clinical Genetics Services, Murdoch Childrens Research Institute); PubMed 29790589 (cited by Victorian Clinical Genetics Services, Murdoch Childrens Research Institute).

NM_001430.5(EPAS1):c.1609G>A (p.Gly537Arg)

Gene: EPAS1 (endothelial PAS domain protein 1; plus strand). Cytogenetic location: 2p21.
Variant type: single nucleotide variant.
Coding change: c.1609G>A on transcript NM_001430.5 (MANE Select); coding-DNA position 1609, G replaced by A.
Protein change: p.Gly537Arg; replaces glycine 537 with arginine.
Molecular consequence: missense variant.
Genome position (GRCh38, 1-based): chr2:46,380,281, G>A. VCF-style: chr2-46380281-G-A. GRCh37 (hg19) VCF-style: chr2-46607420-G-A.
Other names: short protein forms G537R.
Identifiers: ClinVar variation 6469 (VCV000006469.44), dbSNP rs137853036, ClinGen allele CA118291.